The following is an entry in ClinVar:

NM_032977.4(CASP10):c.86C>A (p.Ser29Ter)

Gene: CASP10 (caspase 10; plus strand). Cytogenetic location: 2q33.1.
Variant type: single nucleotide variant.
Coding change: c.86C>A on transcript NM_032977.4 (MANE Select); coding-DNA position 86, C replaced by A.
Protein change: p.Ser29Ter; replaces serine 29 with a stop codon.
Molecular consequence: nonsense.
Genome position (GRCh38, 1-based): chr2:201,185,863, C>A. VCF-style: chr2-201185863-C-A. GRCh37 (hg19) VCF-style: chr2-202050586-C-A.
Other names: c.86C>A, p.Ser29Ter (NM_001206524.2, NM_001206542.2, NM_001230.5 and 3 more transcripts); short protein forms S29*.
Identifiers: ClinVar variation 2946642 (VCV002946642.3), dbSNP rs2469359784, ClinGen allele CA350277548.

ClinVar aggregate classification (germline): Uncertain significance (1 of 4 stars; one submission).

Conditions:
Autoimmune lymphoproliferative syndrome type 2A (ALPS2A). Also called: Autoimmune lymphoproliferative syndrome type 2; CASP10-Related Autoimmune Lymphoproliferative Syndrome; AUTOIMMUNE LYMPHOPROLIFERATIVE SYNDROME, TYPE IIA. Identifiers: Orphanet 3261, MedGen C1858968, MONDO:0011383, OMIM 603909.

Submission:

Labcorp Genetics (formerly Invitae), Labcorp
Classification: Uncertain significance for Autoimmune lymphoproliferative syndrome type 2A. Last evaluated: 2023-09-04. Review status: criteria provided, single submitter. Criteria: Invitae Variant Classification Sherloc (09022015). Collection method: clinical testing. Allele origin: germline.
Comment: In summary, the available evidence is currently insufficient to determine the role of this variant in disease. Therefore, it has been classified as a Variant of Uncertain Significance. This variant has not been reported in the literature in individuals affected with CASP10-related conditions. This variant is not present in population databases (gnomAD no frequency). This sequence change creates a premature translational stop signal (p.Ser29*) in the CASP10 gene. It is expected to result in an absent or disrupted protein product. However, the current clinical and genetic evidence is not sufficient to establish whether loss-of-function variants in CASP10 cause disease.